The following is an entry in ClinVar:

ClinVar aggregate classification (germline): Likely benign (1 of 4 stars; one submission).

Conditions:
FLVCR1-related disorder. Also called: FLVCR1-related condition.

gnomAD v4.1: 4 of 1,613,018 alleles (0.00025%); highest among the groups gnomAD compares: South Asian, 0.0022%; no homozygotes.

Submission:

PreventionGenetics, part of Exact Sciences
Classification: Likely benign for FLVCR1-related condition. Last evaluated: 2026-01-16. Review status: criteria provided, single submitter. Criteria: ACMG Guidelines, 2015. Collection method: clinical testing. Allele origin: germline.
Comment: This variant is classified as likely benign based on ACMG/AMP sequence variant interpretation guidelines (Richards et al. 2015 PMID: 25741868, with internal and published modifications).

NM_014053.4(FLVCR1):c.552C>T (p.Asn184=)

Gene: FLVCR1 (FLVCR choline and heme transporter 1; plus strand). Cytogenetic location: 1q32.3.
Variant type: single nucleotide variant.
Coding change: c.552C>T on transcript NM_014053.4 (MANE Select); coding-DNA position 552, C replaced by T.
Protein change: p.Asn184=; no amino-acid change (asparagine 184 retained).
Molecular consequence: synonymous variant.
Genome position (GRCh38, 1-based): chr1:212,859,004, C>T. VCF-style: chr1-212859004-C-T. GRCh37 (hg19) VCF-style: chr1-213032346-C-T.
Identifiers: ClinVar variation 4983097 (VCV004983097.1).